The following is an entry in ClinVar:

NM_001370658.1(BTD):c.48C>T (p.Tyr16=)

Gene: BTD (biotinidase; plus strand). Cytogenetic location: 3p25.1.
Variant type: single nucleotide variant.
Coding change: c.48C>T on transcript NM_001370658.1 (MANE Select); coding-DNA position 48, C replaced by T.
Protein change: p.Tyr16=; no amino-acid change (tyrosine 16 retained).
Molecular consequence: synonymous variant.
Genome position (GRCh38, 1-based): chr3:15,635,487, C>T. VCF-style: chr3-15635487-C-T. GRCh37 (hg19) VCF-style: chr3-15676994-C-T.
Other names: c.108C>T, p.Tyr36= (NM_000060.4); c.48C>T, p.Tyr16= (NM_001281723.4, NM_001281724.3, NM_001281725.3 and 37 more transcripts).
Identifiers: ClinVar variation 343905 (VCV000343905.40), dbSNP rs201823743, ClinGen allele CA2277241.

ClinVar aggregate classification (germline): Likely benign. Review status: criteria provided, multiple submitters, no conflicts (2 of 4 stars). 4 submissions from 4 submitters: Likely benign (3). 1 of the submissions does not count toward it. Last evaluated 2026-02-03.

Conditions:
Biotinidase deficiency. Also called: BTD deficiency; Late-onset biotin-responsive multiple carboxylase deficiency; Biotin deficiency. Identifiers: Orphanet 79241, MedGen C0220754, MONDO:0009665, OMIM 253260.

Allele frequency attached by ClinVar (database versions not stated): TOPMed 0.00004; gnomAD 0.00005; gnomAD exomes 0.00006 and 0.00007; ExAC 0.00007; 1000 Genomes Project 30x 0.00016; 1000 Genomes Project 0.00020.
gnomAD v4.1: 122 of 1,614,206 alleles (0.0076%); highest among the groups gnomAD compares: Non-Finnish European, 0.0088%; no homozygotes.

Submissions (4):

Labcorp Genetics (formerly Invitae), Labcorp
Classification: Likely benign for Biotinidase deficiency. Last evaluated: 2026-02-03. Review status: criteria provided, single submitter. Criteria: Invitae Variant Classification Sherloc (09022015). Collection method: clinical testing. Allele origin: germline.

Blueprint Genetics
Classification: Likely benign. Last evaluated: 2024-10-14. Review status: criteria provided, single submitter. Criteria: ACMG Guidelines, 2015. Collection method: clinical testing. Allele origin: germline.

CeGaT Center for Human Genetics Tuebingen
Classification: Likely benign. Last evaluated: 2023-12-01. Review status: criteria provided, single submitter. Criteria: CeGaT Center For Human Genetics Tuebingen Variant Classification Criteria Version 2. Collection method: clinical testing. Allele origin: germline. Affected: yes. Observed: 1 variant allele.
Comment: BTD: BP4, BP7

Natera, Inc.
Classification: Likely benign for Biotinidase deficiency. Last evaluated: 2021-06-15. Review status: no assertion criteria provided. Collection method: clinical testing. Allele origin: germline. Not counted in ClinVar's aggregate classification.